The following is an entry in ClinVar:

NM_181836.6(TMED7):c.11C>T (p.Pro4Leu)

Genes: TMED7 (transmembrane p24 trafficking protein 7; minus strand), TMED7-TICAM2 (TMED7-TICAM2 readthrough; minus strand). Cytogenetic location: 5q22.3.
Variant type: single nucleotide variant.
Coding change: c.11C>T on transcript NM_181836.6 (MANE Select); coding-DNA position 11, C replaced by T.
Protein change: p.Pro4Leu; replaces proline 4 with leucine.
Molecular consequence: missense variant.
Genome position (GRCh38, 1-based): chr5:115,625,782, G>A on the plus strand (C>T on the coding strand, the complement: TMED7 is on the minus strand). VCF-style: chr5-115625782-G-A. GRCh37 (hg19) VCF-style: chr5-114961479-G-A.
Other names: c.11C>T, p.Pro4Leu (NM_001164468.4, NM_001164469.4); short protein forms P4L.
Identifiers: ClinVar variation 1989984 (VCV001989984.4), dbSNP rs754424015, ClinGen allele CA3375261.
Genomic context (GRCh38, chr5:115,625,782, plus strand): 5'-AGTGCGAGCAGCCTGCACCCCCAACGGCCCGCGACGGCCGCCCAGCGCTGCGCGGACCCC[G>A]GCCGCGGCATCCCGAGAAGGCGGCGGCGGCCTCAACCGAGCTGCGAGACGCAGGGTCAGG-3'
Protein context (NP_861974.1, residues 1-14): MPR[Pro4Leu]GSAQRWAAVA

ClinVar aggregate classification (germline): Uncertain significance (1 of 4 stars; one submission).

Allele frequency attached by ClinVar (database versions not stated): ExAC 0.00012.
gnomAD v4.1: 4 of 1,440,694 alleles (0.00028%); highest among the groups gnomAD compares: South Asian, 0.0044%; no homozygotes.

Submission:

Labcorp Genetics (formerly Invitae), Labcorp
Classification: Uncertain significance. Last evaluated: 2022-02-15. Review status: criteria provided, single submitter. Criteria: Invitae Variant Classification Sherloc (09022015). Collection method: clinical testing. Allele origin: germline.
Comment: In summary, the available evidence is currently insufficient to determine the role of this variant in disease. Therefore, it has been classified as a Variant of Uncertain Significance. Algorithms developed to predict the effect of missense changes on protein structure and function output the following: SIFT: "Deleterious"; PolyPhen-2: "Benign"; Align-GVGD: "Class C0". The leucine amino acid residue is found in multiple mammalian species, which suggests that this missense change does not adversely affect protein function. This variant has not been reported in the literature in individuals affected with TMED7-related conditions. The frequency data for this variant in the population databases is considered unreliable, as metrics indicate poor data quality at this position in the gnomAD database. This sequence change replaces proline, which is neutral and non-polar, with leucine, which is neutral and non-polar, at codon 4 of the TMED7 protein (p.Pro4Leu).